The following is an entry in ClinVar:

NM_005751.5(AKAP9):c.4832C>T (p.Ala1611Val)

Gene: AKAP9 (A-kinase anchoring protein 9; plus strand). Cytogenetic location: 7q21.2.
Variant type: single nucleotide variant.
Coding change: c.4832C>T on transcript NM_005751.5 (MANE Select); coding-DNA position 4832, C replaced by T.
Protein change: p.Ala1611Val; replaces alanine 1611 with valine.
Molecular consequence: missense variant.
Genome position (GRCh38, 1-based): chr7:92,040,813, C>T. VCF-style: chr7-92040813-C-T. GRCh37 (hg19) VCF-style: chr7-91670127-C-T.
Other names: c.4832C>T, p.Ala1611Val (NM_147185.3); short protein forms A1611V.
Identifiers: ClinVar variation 1172790 (VCV001172790.8), dbSNP rs1430748591, ClinGen allele CA368129678.
Genomic context (GRCh38, chr7:92,040,813, plus strand): 5'-GACAGGAACTTGTACGACAATACCAAGAACATCAACAGGCAACGGAATTGTTAAGGCAAG[C>T]ACATATGCGGCAAATGGAGAGACAGCGAGAAGACCAGGAACAGCTACAAGAAGAGATTAA-3'
Protein context (NP_005742.4, residues 1601-1621): HQQATELLRQ[Ala1611Val]HMRQMERQRE

ClinVar aggregate classification (germline): Uncertain significance. Review status: criteria provided, multiple submitters, no conflicts (2 of 4 stars). 3 submissions from 3 submitters: Uncertain significance (3). Last evaluated 2025-12-09.

Conditions:
Cardiovascular phenotype. Identifiers: MedGen CN230736.
Long QT syndrome (LQTS). Identifiers: MedGen C0023976, MeSH D008133, MONDO:0002442. Disease mechanism: loss of function. Inheritance: Various modes of inheritance.

Allele frequency attached by ClinVar (database versions not stated): gnomAD exomes below 0.00001 and 0.00001; gnomAD 0.00001; TOPMed 0.00002.
gnomAD v4.1: 8 of 1,613,758 alleles (0.0005%); highest among the groups gnomAD compares: East Asian, 0.018%; no homozygotes.

Submissions (3):

Labcorp Genetics (formerly Invitae), Labcorp
Classification: Uncertain significance for Long QT syndrome. Last evaluated: 2025-12-09. Review status: criteria provided, single submitter. Criteria: Invitae Variant Classification Sherloc (09022015). Collection method: clinical testing. Allele origin: germline.
Comment: This sequence change replaces alanine, which is neutral and non-polar, with valine, which is neutral and non-polar, at codon 1611 of the AKAP9 protein (p.Ala1611Val). This variant is present in population databases (no rsID available, gnomAD 0.02%). This variant has not been reported in the literature in individuals affected with AKAP9-related conditions. ClinVar contains an entry for this variant (Variation ID: 1172790). An algorithm developed to predict the effect of missense changes on protein structure and function (PolyPhen-2) suggests that this variant is likely to be disruptive. In summary, the available evidence is currently insufficient to determine the role of this variant in disease. Therefore, it has been classified as a Variant of Uncertain Significance.

Ambry Genetics
Classification: Uncertain significance for Cardiovascular phenotype. Last evaluated: 2021-02-20. Review status: criteria provided, single submitter. Criteria: Ambry Variant Classification Scheme 2023. Collection method: clinical testing. Allele origin: germline.
Comment: The p.A1611V variant (also known as c.4832C>T), located in coding exon 18 of the AKAP9 gene, results from a C to T substitution at nucleotide position 4832. The alanine at codon 1611 is replaced by valine, an amino acid with similar properties. This amino acid position is well conserved in available vertebrate species. In addition, this alteration is predicted to be tolerated by in silico analysis. Since supporting evidence is limited at this time, the clinical significance of this alteration remains unclear.

GeneDx
Classification: Uncertain significance. Last evaluated: 2020-04-21. Review status: criteria provided, single submitter. Criteria: GeneDx Variant Classification (06012015). Collection method: clinical testing. Allele origin: germline. Affected: yes.
Comment: Has not been previously published as pathogenic or benign to our knowledge In silico analysis supports that this missense variant does not alter protein structure/function